The following is an entry in ClinVar:

NM_001105206.3(LAMA4):c.3153C>A (p.Phe1051Leu)

Gene: LAMA4 (laminin subunit alpha 4; minus strand). Cytogenetic location: 6q21.
Variant type: single nucleotide variant.
Coding change: c.3153C>A on transcript NM_001105206.3 (MANE Select); coding-DNA position 3153, C replaced by A.
Protein change: p.Phe1051Leu; replaces phenylalanine 1051 with leucine.
Molecular consequence: missense variant.
Genome position (GRCh38, 1-based): chr6:112,139,249, G>T on the plus strand (C>A on the coding strand, the complement: LAMA4 is on the minus strand). VCF-style: chr6-112139249-G-T. GRCh37 (hg19) VCF-style: chr6-112460451-G-T.
Other names: c.3132C>A, p.Phe1044Leu (NM_001105207.3, NM_002290.5); short protein forms F1044L, F1051L.
Identifiers: ClinVar variation 406151 (VCV000406151.8), dbSNP rs1060500983, ClinGen allele CA16611940.

ClinVar aggregate classification (germline): Uncertain significance (1 of 4 stars; one submission).

Conditions:
Dilated cardiomyopathy 1JJ (CMD1JJ). Identifiers: Orphanet 154, MedGen C3808935, MONDO:0014095, OMIM 615235.

Submission:

Labcorp Genetics (formerly Invitae), Labcorp
Classification: Uncertain significance for Dilated cardiomyopathy 1JJ. Last evaluated: 2022-06-09. Review status: criteria provided, single submitter. Criteria: Invitae Variant Classification Sherloc (09022015). Collection method: clinical testing. Allele origin: germline.
Comment: This variant is not present in population databases (gnomAD no frequency). In summary, the available evidence is currently insufficient to determine the role of this variant in disease. Therefore, it has been classified as a Variant of Uncertain Significance. Algorithms developed to predict the effect of missense changes on protein structure and function are either unavailable or do not agree on the potential impact of this missense change (SIFT: "Tolerated"; PolyPhen-2: "Possibly Damaging"; Align-GVGD: "Class C0"). ClinVar contains an entry for this variant (Variation ID: 406151). This variant has not been reported in the literature in individuals affected with LAMA4-related conditions. This sequence change replaces phenylalanine, which is neutral and non-polar, with leucine, which is neutral and non-polar, at codon 1044 of the LAMA4 protein (p.Phe1044Leu).